The following is an entry in ClinVar:

ClinVar aggregate classification (germline): Uncertain significance (1 of 4 stars; one submission).

gnomAD v4.1: 73 of 1,604,150 alleles (0.0046%); highest among the groups gnomAD compares: African/African-American, 0.079%; no homozygotes.

Submission:

GeneDx
Classification: Uncertain significance. Last evaluated: 2024-01-26. Review status: criteria provided, single submitter. Criteria: GeneDx Variant Classification Process June 2021. Collection method: clinical testing. Allele origin: germline. Affected: yes.
Comment: In silico analysis supports that this missense variant has a deleterious effect on protein structure/function; Has not been previously published as pathogenic or benign to our knowledge

NM_001009944.3(PKD1):c.10127T>C (p.Leu3376Pro)

Gene: PKD1 (polycystin 1, transient receptor potential channel interacting; minus strand). Cytogenetic location: 16p13.3.
Variant type: single nucleotide variant.
Coding change: c.10127T>C on transcript NM_001009944.3 (MANE Select); coding-DNA position 10127, T replaced by C.
Protein change: p.Leu3376Pro; replaces leucine 3376 with proline.
Molecular consequence: missense variant.
Genome position (GRCh38, 1-based): chr16:2,097,908, A>G on the plus strand (T>C on the coding strand, the complement: PKD1 is on the minus strand). VCF-style: chr16-2097908-A-G. GRCh37 (hg19) VCF-style: chr16-2147909-A-G.
Other names: c.10127T>C, p.Leu3376Pro (NM_000296.4); short protein forms L3376P.
Identifiers: ClinVar variation 3342878 (VCV003342878.1).